The following is an entry in ClinVar:

ClinVar aggregate classification (germline): Uncertain significance (1 of 4 stars; one submission).

Conditions:
Alzheimer disease 4 (AD4). Identifiers: Orphanet 1020, MedGen C1847200, MONDO:0011743, OMIM 606889.

gnomAD v4.1: 3 of 1,322,066 alleles (0.00023%); highest among the groups gnomAD compares: Non-Finnish European, 0.0003%; no homozygotes.

Submission:

Labcorp Genetics (formerly Invitae), Labcorp
Classification: Uncertain significance for Alzheimer disease 4. Last evaluated: 2023-07-17. Review status: criteria provided, single submitter. Criteria: Invitae Variant Classification Sherloc (09022015). Collection method: clinical testing. Allele origin: germline.
Comment: In summary, the available evidence is currently insufficient to determine the role of this variant in disease. Therefore, it has been classified as a Variant of Uncertain Significance. Advanced modeling of protein sequence and biophysical properties (such as structural, functional, and spatial information, amino acid conservation, physicochemical variation, residue mobility, and thermodynamic stability) performed at Invitae indicates that this missense variant is expected to disrupt PSEN2 protein function. This sequence change replaces asparagine, which is neutral and polar, with lysine, which is basic and polar, at codon 116 of the PSEN2 protein (p.Asn116Lys). This variant is not present in population databases (gnomAD no frequency). This variant has not been reported in the literature in individuals affected with PSEN2-related conditions. ClinVar contains an entry for this variant (Variation ID: 2195064).

NM_000447.3(PSEN2):c.348T>A (p.Asn116Lys)

Gene: PSEN2 (presenilin 2; plus strand). Cytogenetic location: 1q42.13.
Variant type: single nucleotide variant.
Coding change: c.348T>A on transcript NM_000447.3 (MANE Select); coding-DNA position 348, T replaced by A.
Protein change: p.Asn116Lys; replaces asparagine 116 with lysine.
Molecular consequence: missense variant.
Genome position (GRCh38, 1-based): chr1:226,883,911, T>A. VCF-style: chr1-226883911-T-A. GRCh37 (hg19) VCF-style: chr1-227071612-T-A.
Other names: c.348T>A, p.Asn116Lys (NM_012486.3); short protein forms N116K.
Identifiers: ClinVar variation 2195064 (VCV002195064.4), dbSNP rs201119121, ClinGen allele CA345329900.